The following is an entry in ClinVar:

ClinVar aggregate classification (germline): Uncertain significance. Review status: criteria provided, multiple submitters, no conflicts (2 of 4 stars). 2 submissions from 2 submitters: Uncertain significance (2). Last evaluated 2024-07-28.

Conditions:
Gastrointestinal stromal tumor. Also called: Gastrointestinal stromal tumor, somatic; Gastrointestinal stroma tumor. Identifiers: Orphanet 44890, MedGen C0238198, MeSH D046152, MONDO:0011719, OMIM 606764, HP:0100723.
Hereditary cancer-predisposing syndrome. Also called: Hereditary neoplastic syndrome; Neoplastic Syndromes, Hereditary; Hereditary Cancer Syndrome; Tumor predisposition. Identifiers: Orphanet 140162, MedGen C0027672, MeSH D009386, MONDO:0015356.

Submissions (2):

Labcorp Genetics (formerly Invitae), Labcorp
Classification: Uncertain significance for Gastrointestinal stromal tumor. Last evaluated: 2024-07-28. Review status: criteria provided, single submitter. Criteria: Invitae Variant Classification Sherloc (09022015). Collection method: clinical testing. Allele origin: germline.
Comment: This sequence change replaces valine, which is neutral and non-polar, with methionine, which is neutral and non-polar, at codon 533 of the PDGFRA protein (p.Val533Met). This variant is not present in population databases (gnomAD no frequency). This variant has not been reported in the literature in individuals affected with PDGFRA-related conditions. ClinVar contains an entry for this variant (Variation ID: 953709). Advanced modeling of protein sequence and biophysical properties (such as structural, functional, and spatial information, amino acid conservation, physicochemical variation, residue mobility, and thermodynamic stability) performed at Invitae indicates that this missense variant is not expected to disrupt PDGFRA protein function with a negative predictive value of 80%. In summary, the available evidence is currently insufficient to determine the role of this variant in disease. Therefore, it has been classified as a Variant of Uncertain Significance.

Ambry Genetics
Classification: Uncertain significance for Hereditary cancer-predisposing syndrome. Last evaluated: 2024-04-15. Review status: criteria provided, single submitter. Criteria: Ambry Variant Classification Scheme 2023. Collection method: clinical testing. Allele origin: germline.
Comment: The p.V533M variant (also known as c.1597G>A), located in coding exon 10 of the PDGFRA gene, results from a G to A substitution at nucleotide position 1597. The valine at codon 533 is replaced by methionine, an amino acid with highly similar properties. This amino acid position is conserved. In addition, this alteration is predicted to be deleterious by in silico analysis. Since supporting evidence is limited at this time, the clinical significance of this alteration remains unclear.

NM_006206.6(PDGFRA):c.1597G>A (p.Val533Met)

Gene: PDGFRA (platelet derived growth factor receptor alpha; plus strand). Cytogenetic location: 4q12.
Variant type: single nucleotide variant.
Coding change: c.1597G>A on transcript NM_006206.6 (MANE Select); coding-DNA position 1597, G replaced by A.
Protein change: p.Val533Met; replaces valine 533 with methionine.
Molecular consequence: missense variant.
Genome position (GRCh38, 1-based): chr4:54,274,569, G>A. VCF-style: chr4-54274569-G-A. GRCh37 (hg19) VCF-style: chr4-55140736-G-A.
Other names: c.1597G>A, p.Val533Met (NM_001347827.2, NM_001347829.2); c.1672G>A, p.Val558Met (NM_001347828.2); c.1636G>A, p.Val546Met (NM_001347830.2); short protein forms V533M, V546M, V558M.
Identifiers: ClinVar variation 953709 (VCV000953709.13), dbSNP rs1723603347, ClinGen allele CA356892892.